The following is an entry in ClinVar:

ClinVar aggregate classification (germline): Pathogenic/Likely pathogenic. Review status: criteria provided, multiple submitters, no conflicts (2 of 4 stars). 2 submissions from 2 submitters: Pathogenic (1); Likely pathogenic (1). Last evaluated 2026-01-22.

Conditions:
Autosomal recessive osteopetrosis 1. Also called: ALBERS-SCHONBERG DISEASE, AUTOSOMAL RECESSIVE; TCIRG1-Related Osteopetrosis; TCIRG1-Related Autosomal Recessive Osteopetrosis. Identifiers: Orphanet 667, MedGen C1850127, MONDO:0009815, OMIM 259700.

Submissions (2):

Victorian Clinical Genetics Services, Murdoch Childrens Research Institute
Classification: Pathogenic for Autosomal recessive osteopetrosis 1. Last evaluated: 2026-01-22. Review status: criteria provided, single submitter. Criteria: ACMG Guidelines, 2015. Collection method: clinical testing. Allele origin: germline. Affected: yes.
Comment: This variant is classified as Pathogenic. Evidence in support of pathogenic classification: Variant is predicted to cause nonsense-mediated decay (NMD) and loss of protein (premature termination codon is located at least 54 nucleotides upstream of the final exon-exon junction); Variant is absent from gnomAD (v2, v3 and v4); This variant has moderate previous evidence of pathogenicity in unrelated individuals. It has been reported in at least three unrelated families with osteopetrosis (PMIDs: 15300850, 17400532); Other variants predicted to cause NMD comparable to the one identified in this case have very strong previous evidence for pathogenicity (DECIPHER). Additional information: This variant is homozygous; This gene is associated with autosomal recessive disease; Loss of function is a known mechanism of disease in this gene and is associated with autosomal recessive osteopetrosis 1 (MIM#259700); Variants in this gene are known to have variable expressivity. Patients may present with variable features (PMID: 17400532).

Broad Center for Mendelian Genomics, Broad Institute of MIT and Harvard
Classification: Likely pathogenic for Autosomal recessive osteopetrosis 1. Last evaluated: 2023-01-25. Review status: criteria provided, single submitter. Criteria: ACMG Guidelines, 2015. Collection method: curation. Allele origin: germline. Inheritance: Autosomal recessive inheritance.
Comment: The p.Ile235SerfsTer44 variant in TCIRG1 has been previously reported in 3 individuals with autosomal recessive osteopetrosis 1 (PMID: 17400532, PMID: 15300850). These 3 affected individuals were homozygotes (PMID: 17400532, PMID: 15300850), which increases the likelihood that the p.Ile235SerfsTer44 variant is pathogenic. This variant was absent from large population studies. This variant is predicted to cause a frameshift, which alters the protein‚Äôs amino acid sequence beginning at position 235 and leads to a premature termination codon 44 amino acids downstream. This alteration is then predicted to lead to a truncated or absent protein. Loss of function of the TCIRG1 gene is strongly associated to autosomal recessive osteopetrosis 1. In summary, although additional studies are required to fully establish its clinical significance, this variant is likely pathogenic for autosomal recessive osteopetrosis 1. ACMG/AMP Criteria applied: PVS1_Strong, PM2_Supporting, PM3 (Richards 2015).

Literature cited by the submitters: PubMed 15300850 (cited by Victorian Clinical Genetics Services, Murdoch Childrens Research Institute); PubMed 17400532 (cited by Victorian Clinical Genetics Services, Murdoch Childrens Research Institute).

NM_006019.4(TCIRG1):c.702del (p.Ile235fs)

Gene: TCIRG1 (T cell immune regulator 1, ATPase H+ transporting V0 subunit a3; plus strand). Cytogenetic location: 11q13.2.
Variant type: Deletion.
Coding change: c.702del on transcript NM_006019.4 (MANE Select); coding-DNA position 702, one base deleted (G; older notation c.702delG).
Protein change: p.Ile235fs; shifts the reading frame from isoleucine 235.
Molecular consequence: frameshift variant. On other transcripts: 5 prime UTR variant (1).
Genome position (GRCh38, 1-based): chr11:68,043,642, G deleted. VCF-style (leftmost placement, unchanged base first): chr11-68043641-AG-A. GRCh37 (hg19) VCF-style: chr11-67811108-AG-A.
Other names: NM_006053.4:c.54del; c.702delG (NM_006019.3); c.-209del (NM_001351059.2); c.54del, p.Ile19fs (NM_006053.4); short protein forms I19fs, I235fs.
Identifiers: ClinVar variation 2412722 (VCV002412722.3), dbSNP rs2495622382, ClinGen allele CA2573332451.
Genomic context (GRCh38, chr11:68,043,641, plus strand): 5'-CCACGTGGATGACCTTCCTCATCTCCTACTGGGGTGAGCAGATCGGACAGAAGATCCGCA[AG>A]ATCACGGACTGGTGAGTCACTGGGAACACCCGCCCCACCGCCCTGCTCCCCAGGCCCCTG-3'